The following is an entry in ClinVar:

NM_024741.3(ZNF408):c.886G>A (p.Ala296Thr)

Gene: ZNF408 (zinc finger protein 408; plus strand). Cytogenetic location: 11p11.2.
Variant type: single nucleotide variant.
Coding change: c.886G>A on transcript NM_024741.3 (MANE Select); coding-DNA position 886, G replaced by A.
Protein change: p.Ala296Thr; replaces alanine 296 with threonine.
Molecular consequence: missense variant.
Genome position (GRCh38, 1-based): chr11:46,704,586, G>A. VCF-style: chr11-46704586-G-A. GRCh37 (hg19) VCF-style: chr11-46726136-G-A.
Other names: c.862G>A, p.Ala288Thr (NM_001184751.2); short protein forms A288T, A296T.
Identifiers: ClinVar variation 1002162 (VCV001002162.8), dbSNP rs1053683092, ClinGen allele CA221632920.
Genomic context (GRCh38, chr11:46,704,586, plus strand): 5'-CAGAGCAATTCGGCTACCCAGCAGGACCCAGATGGCAGTGGAGCCAGTTTCTCATCTTCT[G>A]CCAGGGGCACCCAGCCGCATGGCTACCTGGCCAAGAAGTTACACAGCCCCAGTGATCAGT-3'
Protein context (NP_079017.1, residues 286-306): DGSGASFSSS[Ala296Thr]RGTQPHGYLA

ClinVar aggregate classification (germline): Uncertain significance (1 of 4 stars; one submission).

Allele frequency attached by ClinVar (database versions not stated): gnomAD 0.00004 and 0.00005; TOPMed 0.00006.
gnomAD v4.1: 22 of 1,613,606 alleles (0.0014%); highest among the groups gnomAD compares: African/African-American, 0.024%; no homozygotes.

Submission:

Labcorp Genetics (formerly Invitae), Labcorp
Classification: Uncertain significance. Last evaluated: 2024-12-02. Review status: criteria provided, single submitter. Criteria: Invitae Variant Classification Sherloc (09022015). Collection method: clinical testing. Allele origin: germline.
Comment: This sequence change replaces alanine, which is neutral and non-polar, with threonine, which is neutral and polar, at codon 296 of the ZNF408 protein (p.Ala296Thr). This variant is present in population databases (no rsID available, gnomAD 0.008%). This variant has not been reported in the literature in individuals affected with ZNF408-related conditions. ClinVar contains an entry for this variant (Variation ID: 1002162). An algorithm developed to predict the effect of missense changes on protein structure and function outputs the following: PolyPhen-2: "Benign". The threonine amino acid residue is found in multiple mammalian species, which suggests that this missense change does not adversely affect protein function. In summary, the available evidence is currently insufficient to determine the role of this variant in disease. Therefore, it has been classified as a Variant of Uncertain Significance.